The following is an entry in ClinVar:

ClinVar aggregate classification (germline): Benign/Likely benign. Review status: criteria provided, multiple submitters, no conflicts (2 of 4 stars). 5 submissions from 5 submitters: Benign (1); Likely benign (4). Last evaluated 2026-01-27.

Allele frequency attached by ClinVar (database versions not stated): gnomAD 0.00161 and 0.00168; TOPMed 0.00161; gnomAD exomes 0.00172 and 0.00299; ESP Exome Variant Server 0.00261; 1000 Genomes Project 30x 0.00078; 1000 Genomes Project 0.00080; ExAC 0.00161.
gnomAD v4.1: 4,562 of 1,612,184 alleles (0.28%); highest among the groups gnomAD compares: Non-Finnish European, 0.36%; 11 homozygotes.

Submissions (5):

Labcorp Genetics (formerly Invitae), Labcorp
Classification: Likely benign. Last evaluated: 2026-01-27. Review status: criteria provided, single submitter. Criteria: Invitae Variant Classification Sherloc (09022015). Collection method: clinical testing. Allele origin: germline.

CeGaT Center for Human Genetics Tuebingen
Classification: Likely benign. Last evaluated: 2025-04-01. Review status: criteria provided, single submitter. Criteria: CeGaT Center For Human Genetics Tuebingen Variant Classification Criteria Version 2. Collection method: clinical testing. Allele origin: germline. Affected: yes. Observed: 6 variant alleles.
Comment: MRPL3: BS2

Blueprint Genetics
Classification: Likely benign. Last evaluated: 2024-11-22. Review status: criteria provided, single submitter. Criteria: ACMG Guidelines, 2015. Collection method: clinical testing. Allele origin: germline.

GeneDx
Classification: Likely benign. Last evaluated: 2021-03-11. Review status: criteria provided, single submitter. Criteria: GeneDx Variant Classification (06012015). Collection method: clinical testing. Allele origin: germline. Affected: yes.
Comment: This variant is associated with the following publications: (PMID: 29458409, 21520241, 22507240)

Mayo Clinic Laboratories, Mayo Clinic
Classification: Benign. Last evaluated: 2020-09-14. Review status: criteria provided, single submitter. Criteria: ACMG Guidelines, 2015. Collection method: clinical testing. Allele origin: germline. Observed: 2 variant alleles.

NM_007208.4(MRPL3):c.224G>A (p.Ser75Asn)

Gene: MRPL3 (mitochondrial ribosomal protein L3; minus strand). Cytogenetic location: 3q22.1.
Variant type: single nucleotide variant.
Coding change: c.224G>A on transcript NM_007208.4 (MANE Select); coding-DNA position 224, G replaced by A.
Protein change: p.Ser75Asn; replaces serine 75 with asparagine.
Molecular consequence: missense variant.
Genome position (GRCh38, 1-based): chr3:131,501,584, C>T on the plus strand (G>A on the coding strand, the complement: MRPL3 is on the minus strand). VCF-style: chr3-131501584-C-T. GRCh37 (hg19) VCF-style: chr3-131220428-C-T.
Other names: p.Ser75Asn; short protein forms S75N.
Identifiers: ClinVar variation 703970 (VCV000703970.56), dbSNP rs151331067, ClinGen allele CA2617204.